The following is an entry in ClinVar:

ClinVar aggregate classification (germline): Uncertain significance (1 of 4 stars; one submission).

Submission:

Labcorp Genetics (formerly Invitae), Labcorp
Classification: Uncertain significance. Last evaluated: 2022-08-21. Review status: criteria provided, single submitter. Criteria: Invitae Variant Classification Sherloc (09022015). Collection method: clinical testing. Allele origin: germline.
Comment: This variant has not been reported in the literature in individuals affected with HOXB13-related conditions. This variant is not present in population databases (gnomAD no frequency). This sequence change creates a premature translational stop signal (p.Gln259*) in the HOXB13 gene. While this is not anticipated to result in nonsense mediated decay, it is expected to disrupt the last 26 amino acid(s) of the HOXB13 protein. In summary, the available evidence is currently insufficient to determine the role of this variant in disease. Therefore, it has been classified as a Variant of Uncertain Significance.

NM_006361.6(HOXB13):c.775C>T (p.Gln259Ter)

Gene: HOXB13 (homeobox B13; minus strand). Cytogenetic location: 17q21.32.
Variant type: single nucleotide variant.
Coding change: c.775C>T on transcript NM_006361.6 (MANE Select); coding-DNA position 775, C replaced by T.
Protein change: p.Gln259Ter; replaces glutamine 259 with a stop codon.
Molecular consequence: nonsense.
Genome position (GRCh38, 1-based): chr17:48,726,870, G>A on the plus strand (C>T on the coding strand, the complement: HOXB13 is on the minus strand). VCF-style: chr17-48726870-G-A. GRCh37 (hg19) VCF-style: chr17-46804232-G-A.
Other names: short protein forms Q259*.
Identifiers: ClinVar variation 2025471 (VCV002025471.4), dbSNP rs2143065900, ClinGen allele CA400105835.
Genomic context (GRCh38, chr17:48,726,870, plus strand): 5'-TCACCTTGGCGAGAACCTTCTTCTCTTTGACCCGGCGGTTCTGAAACCAGATGGTAATCT[G>A]GCGCTCCGAGAGGCTGGTGGCTGCCGAGATCTTGCGCCTCTTGTCCTTGGTGATGAACTT-3'